The following is an entry in ClinVar:

ClinVar aggregate classification (germline): Pathogenic (1 of 4 stars; one submission).

Submission:

Labcorp Genetics (formerly Invitae), Labcorp
Classification: Pathogenic. Last evaluated: 2023-12-07. Review status: criteria provided, single submitter. Criteria: Invitae Variant Classification Sherloc (09022015). Collection method: clinical testing. Allele origin: germline.
Comment: This sequence change creates a premature translational stop signal (p.Gly1016Trpfs*71) in the COL18A1 gene. It is expected to result in an absent or disrupted protein product. Loss-of-function variants in COL18A1 are known to be pathogenic (PMID: 12415512, 25456301). This variant is not present in population databases (gnomAD no frequency). This variant has not been reported in the literature in individuals affected with COL18A1-related conditions. ClinVar contains an entry for this variant (Variation ID: 1947688). For these reasons, this variant has been classified as Pathogenic.

Literature cited by the submitters: PubMed 12415512; PubMed 25456301.

NM_001379500.1(COL18A1):c.3044_3053dup (p.Gly1019fs)

Genes: COL18A1 (collagen type XVIII alpha 1 chain; plus strand), SLC19A1 (solute carrier family 19 member 1; minus strand). Cytogenetic location: 21q22.3.
Variant type: Duplication.
Coding change: c.3044_3053dup on transcript NM_001379500.1 (MANE Select); coding-DNA positions 3044 to 3053, 10 bases duplicated (CTGGGCCCCC; older notation c.3044_3053dupCTGGGCCCCC).
Protein change: p.Gly1019fs; shifts the reading frame from glycine 1019.
Molecular consequence: frameshift variant.
Genome position (GRCh38, 1-based): chr21:45,505,388-45,505,397, CTGGGCCCCC duplicated; duplicating any 10 consecutive bases within chr21:45,505,380-45,505,397 gives the same sequence; the c. name uses the placement nearest the transcript's 3' end. VCF-style (leftmost placement, unchanged base first): chr21-45505379-C-CGGGCCCCCCT. GRCh37 (hg19) VCF-style: chr21-46925293-C-CGGGCCCCCCT.
Other names: c.3575_3584dup, p.Gly1196fs (NM_030582.4); c.4280_4289dup, p.Gly1431fs (NM_130444.3); short protein forms G1019fs, G1196fs, G1431fs.
Identifiers: ClinVar variation 1947688 (VCV001947688.5), dbSNP rs768949300, ClinGen allele CA749788541.